The following is an entry in ClinVar:

NM_003776.4(MRPL40):c.11C>A (p.Ser4Tyr)

Genes: MRPL40 (mitochondrial ribosomal protein L40; plus strand), LOC130066955 (ATAC-STARR-seq lymphoblastoid silent region 13460; plus strand). Cytogenetic location: 22q11.21.
Variant type: single nucleotide variant.
Coding change: c.11C>A on transcript NM_003776.4 (MANE Select); coding-DNA position 11, C replaced by A.
Protein change: p.Ser4Tyr; replaces serine 4 with tyrosine.
Molecular consequence: missense variant. On other transcripts: 5 prime UTR variant (1).
Genome position (GRCh38, 1-based): chr22:19,432,565, C>A. VCF-style: chr22-19432565-C-A. GRCh37 (hg19) VCF-style: chr22-19420088-C-A.
Other names: c.-374C>A (NM_001318151.2); short protein forms S4Y.
Identifiers: ClinVar variation 2072192 (VCV002072192.4), dbSNP rs201603828, ClinGen allele CA10100090.
Genomic context (GRCh38, chr22:19,432,565, plus strand): 5'-CGCGGGCCGGACTGTGGAGGGGCGCACGCCCGGAAGCGGCGAGGGTAGCCATGACGGCCT[C>A]CGTGCTGCGAAGTATCTCGCTAGCCCTGCGCCCGACTAGCGGGTGAGTGCGGACGCTGGC-3'
Protein context (NP_003767.2, residues 1-14): MTA[Ser4Tyr]VLRSISLALR

ClinVar aggregate classification (germline): Uncertain significance (1 of 4 stars; one submission).

Allele frequency attached by ClinVar (database versions not stated): ESP Exome Variant Server 0.00064; gnomAD 0.00075; ExAC 0.00120.

Submission:

Labcorp Genetics (formerly Invitae), Labcorp
Classification: Uncertain significance. Last evaluated: 2026-01-19. Review status: criteria provided, single submitter. Criteria: Invitae Variant Classification Sherloc (09022015). Collection method: clinical testing. Allele origin: germline.
Comment: This sequence change replaces serine, which is neutral and polar, with tyrosine, which is neutral and polar, at codon 4 of the MRPL40 protein (p.Ser4Tyr). This variant is present in population databases (rs201603828, gnomAD 0.2%), and has an allele count higher than expected for a pathogenic variant. This variant has not been reported in the literature in individuals affected with MRPL40-related conditions. ClinVar contains an entry for this variant (Variation ID: 2072192). An algorithm developed to predict the effect of missense changes on protein structure and function outputs the following: PolyPhen-2: "Benign". The tyrosine amino acid residue is found in multiple mammalian species, which suggests that this missense change does not adversely affect protein function. In summary, the available evidence is currently insufficient to determine the role of this variant in disease. Therefore, it has been classified as a Variant of Uncertain Significance.